The following is an entry in ClinVar:

ClinVar aggregate classification (germline): Uncertain significance. Review status: criteria provided, multiple submitters, no conflicts (2 of 4 stars). 3 submissions from 3 submitters: Uncertain significance (3). Last evaluated 2024-02-28.

Conditions:
Hereditary cancer-predisposing syndrome. Also called: Hereditary neoplastic syndrome; Neoplastic Syndromes, Hereditary; Hereditary Cancer Syndrome; Tumor predisposition. Identifiers: Orphanet 140162, MedGen C0027672, MeSH D009386, MONDO:0015356.
Familial cancer of breast. Also called: BREAST CANCER, FAMILIAL; hereditary breast carcinoma; Hereditary breast cancer. Identifiers: Orphanet 227535, MedGen C0346153, MONDO:0016419, OMIM 114480. Disease mechanism: loss of function.

Submissions (3):

Ambry Genetics
Classification: Uncertain significance for Hereditary cancer-predisposing syndrome. Last evaluated: 2024-02-28. Review status: criteria provided, single submitter. Criteria: Ambry Variant Classification Scheme 2023. Collection method: clinical testing. Allele origin: germline.
Comment: The p.F70V variant (also known as c.208T>G), located in coding exon 2 of the BARD1 gene, results from a T to G substitution at nucleotide position 208. The phenylalanine at codon 70 is replaced by valine, an amino acid with highly similar properties. This amino acid position is conserved. In addition, this alteration is predicted to be deleterious by in silico analysis. Based on the available evidence, the clinical significance of this alteration remains unclear.

Baylor Genetics
Classification: Uncertain significance for Familial cancer of breast. Last evaluated: 2023-12-14. Review status: criteria provided, single submitter. Criteria: ACMG Guidelines, 2015. Collection method: clinical testing. Allele origin: unknown.

Labcorp Genetics (formerly Invitae), Labcorp
Classification: Uncertain significance for Familial cancer of breast. Last evaluated: 2022-08-20. Review status: criteria provided, single submitter. Criteria: Invitae Variant Classification Sherloc (09022015). Collection method: clinical testing. Allele origin: germline.
Comment: This variant has not been reported in the literature in individuals affected with BARD1-related conditions. Algorithms developed to predict the effect of missense changes on protein structure and function are either unavailable or do not agree on the potential impact of this missense change (SIFT: "Deleterious"; PolyPhen-2: "Possibly Damaging"; Align-GVGD: "Class C0"). In summary, the available evidence is currently insufficient to determine the role of this variant in disease. Therefore, it has been classified as a Variant of Uncertain Significance. This variant is not present in population databases (gnomAD no frequency). This sequence change replaces phenylalanine, which is neutral and non-polar, with valine, which is neutral and non-polar, at codon 70 of the BARD1 protein (p.Phe70Val).

NM_000465.4(BARD1):c.208T>G (p.Phe70Val)

Gene: BARD1 (BRCA1 associated RING domain 1; minus strand). Cytogenetic location: 2q35.
Variant type: single nucleotide variant.
Coding change: c.208T>G on transcript NM_000465.4 (MANE Select); coding-DNA position 208, T replaced by G.
Protein change: p.Phe70Val; replaces phenylalanine 70 with valine.
Molecular consequence: missense variant. On other transcripts: non-coding transcript variant (2), intron variant (2).
Genome position (GRCh38, 1-based): chr2:214,797,068, A>C on the plus strand (T>G on the coding strand, the complement: BARD1 is on the minus strand). VCF-style: chr2-214797068-A-C. GRCh37 (hg19) VCF-style: chr2-215661792-A-C.
Other names: c.208T>G, p.Phe70Val (NM_001282545.2, NM_001282549.2); c.158+12344T>G (NM_001282548.2); c.159-4623T>G (NM_001282543.2); c.208T>G (NM_000465.2); short protein forms F70V.
Identifiers: ClinVar variation 1717026 (VCV001717026.7), dbSNP rs2469581681, ClinGen allele CA350462155.
Genomic context (GRCh38, chr2:214,797,068, plus strand): 5'-TTATCTAGTAAAAAATACAGTTGTACTATATACATCAAACCGTAATTACTTACCTACAGA[A>C]GATGTGCTCACATCCTCCTAAACACACAGGCTCTCTCAGAATGTTAGTACTGTTTGAAGA-3'
Protein context (NP_000456.2, residues 60-80): PVCLGGCEHI[Phe70Val]CSNCVSDCIG